The following is an entry in ClinVar:

NM_000156.6(GAMT):c.158_181+7del

Genes: GAMT (guanidinoacetate N-methyltransferase; minus strand), LOC130062945 (ATAC-STARR-seq lymphoblastoid silent region 9707; plus strand). Cytogenetic location: 19p13.3.
Variant type: Deletion.
Coding change: c.158_181+7del on transcript NM_000156.6 (MANE Select); coding-DNA position 158 through 7 bases into the intron after coding-DNA position 181, 31 bases deleted.
Molecular consequence: splice donor variant.
Genome position (GRCh38, 1-based): chr19:1,401,289-1,401,319, 31 bases deleted; deleting any 31 consecutive bases within chr19:1,401,289-1,401,320 gives the same sequence; the c. name uses the placement nearest the transcript's 3' end. GRCh37 (hg19): chr19:1,401,289-1,401,319.
Other names: c.158_181+7del (NM_138924.3, NM_000156.5).
Identifiers: ClinVar variation 1098274 (VCV001098274.4), dbSNP rs2144640849, ClinGen allele CA2499225408.

ClinVar aggregate classification (germline): Pathogenic. Review status: reviewed by expert panel (3 of 4 stars). 4 submissions from 4 submitters: Pathogenic (1). 3 of the submissions do not count toward it. Last evaluated 2025-12-10.

Conditions:
Deficiency of guanidinoacetate methyltransferase (CCDS2). Also called: Guanidinoacetate Methyltransferase (GAMT) Deficiency; GAMT DEFICIENCY; CEREBRAL CREATINE DEFICIENCY SYNDROME 2. Identifiers: Orphanet 382, MedGen C0574080, MONDO:0012999, OMIM 612736.

Submissions (4):

ClinGen Cerebral Creatine Deficiency Syndromes Variant Curation Expert Panel, ClinGen
Classification: Pathogenic for Deficiency of guanidinoacetate methyltransferase. Last evaluated: 2025-12-10. Review status: reviewed by expert panel. Criteria: ClinGen CCDS ACMG Specifications GAMT V2.0.0. Collection method: curation. Allele origin: germline. Inheritance: Autosomal recessive inheritance.
Comment: The NM_000156.6:c.158_181+7del variant in GAMT removes 25bp of the 3' end of exon 1 and the canonical donor splice site of intron 1. SpliceAI predicts donor loss (SpliceAI = 1.0) or the use of a cryptic splice site 61 bp upstream (SpliceAI score = 0.78) both of which would result in an out of frame consequence, premature truncation, and NMD. This variant has been detected in at least 3 individuals with GAMT deficiency (PMID: 34015165, 35588794, Lei et al. Journal of Clinical Pediatrics, 2024, 42(12): 1039-1046). Of those individuals, two were siblings who were compound heterozygous for the variant and a variant of uncertain significance, c.181G>A (p.Gly61Arg), which was confirmed in trans by parental testing (PMID: 34015165, 35588794). This occurrence was not counted for PM3 evidence as it was used for PM3 evidence for the c.181G>A (p.Gly61Arg) variant, thereby preventing circularity. One individual was homozygous for the variant (Lei et al. Journal of Clinical Pediatrics, 2024, 42(12): 1039-1046) (PM3_Supporting). At least one patient with this variant had elevated GAA and low creatine in plasma (PMID: 34015165, 35588794) and at least one patient with this variant had elevated GAA and low creatine in urine and significantly decreased creatine peak on brain MRS (GAA not reported) (PP4_Strong). This variant is absent in gnomAD v4.1.0. (PM2_Supporting). There is a ClinVar entry for this variant (Variation ID: 1098274). In summary, this variant meets the criteria to be classified as pathogenic for GAMT deficiency based on the GAMT-specific ACMG/AMP criteria applied, as specified by the ClinGen Cerebral Creatine Deficiency Syndromes Variant Curation Expert Panel (Specifications Version 2.0.0): PVS1, PP4_Strong, PM2_Supporting, PM3_Supporting. (Classification approved by the ClinGen Cerebral Creatine Deficiency Syndromes Variant Curation Expert Panel on December 10, 2025)

Natera, Inc.
Classification: Pathogenic for Guanidinoacetate methyltransferase deficiency. Last evaluated: 2025-02-19. Review status: criteria provided, single submitter. Criteria: Natera Variant Classification Schema (03/2026). Collection method: clinical testing. Allele origin: germline. Not counted in ClinVar's aggregate classification.
Comment: The c.158_181+7del variant in GAMT is a frameshift variant predicted to shift the reading frame and introduce a stop codon. This variant is expected to result in nonsense mediated decay, truncation, or a dysfunctional protein product. This variant is rare in the general population with a frequency below the threshold expected for the associated phenotype(s). This variant has been observed in one or more individuals affected with the associated recessive disease, as either homozygous or compound heterozygous with a second variant (PMID: 34015165). Given the available evidence, this variant is classified as Pathogenic.

Genetics and Prenatal Diagnosis Center, The First Affiliated Hospital of Zhengzhou University
Classification: Pathogenic for Deficiency of guanidinoacetate methyltransferase. Last evaluated: 2021-05-13. Review status: criteria provided, single submitter. Criteria: ACMG Guidelines, 2015. Collection method: clinical testing. Allele origin: germline. Affected: yes. Not counted in ClinVar's aggregate classification.

Juno Genomics, Hangzhou Juno Genomics, Inc
Classification: Pathogenic for Deficiency of guanidinoacetate methyltransferase. Review status: criteria provided, single submitter. Criteria: ACMG Guidelines, 2015. Collection method: clinical testing. Allele origin: germline. Affected: yes. Not counted in ClinVar's aggregate classification.
Comment: Null variant in a gene where loss of function (LOF) is a known mechanism of disease.;For recessive disorders, detected in trans with a pathogenic variant.;Absent from controls (or at extremely low frequency if recessive) in Genome Aggregation Database.;Patient's phenotype or family history is highly specific for a disease with a single genetic etiology.

Literature cited by the submitters: PubMed 34015165 (cited by Natera, Inc.).